The following is an entry in ClinVar:

ClinVar aggregate classification (germline): Benign. Review status: criteria provided, multiple submitters, no conflicts (2 of 4 stars). 4 submissions from 4 submitters: Benign (4). Last evaluated 2026-02-01.

Conditions:
Age related macular degeneration 1 (ARMD1). Also called: MACULOPATHY, AGE-RELATED, 1. Identifiers: MedGen C1864205, MONDO:0011285, OMIM 603075.

Allele frequency attached by ClinVar (database versions not stated): gnomAD exomes 0.01757; ExAC 0.01977; ESP Exome Variant Server 0.02330; gnomAD 0.02456 and 0.02572; TOPMed 0.02581; 1000 Genomes Project 0.04772; 1000 Genomes Project 30x 0.04825.
gnomAD v4.1: 14,998 of 1,606,226 alleles (0.93%); highest among the groups gnomAD compares: African/African-American, 7.4%; 553 homozygotes.

Submissions (4):

Labcorp Genetics (formerly Invitae), Labcorp
Classification: Benign. Last evaluated: 2026-02-01. Review status: criteria provided, single submitter. Criteria: Invitae Variant Classification Sherloc (09022015). Collection method: clinical testing. Allele origin: germline.

Genome-Nilou Lab
Classification: Benign for Age related macular degeneration 1. Last evaluated: 2023-04-11. Review status: criteria provided, single submitter. Criteria: ACMG Guidelines, 2015. Collection method: clinical testing. Allele origin: germline. Affected: no.

Illumina Laboratory Services, Illumina
Classification: Benign for Age related macular degeneration 1. Last evaluated: 2018-01-12. Review status: criteria provided, single submitter. Criteria: ICSL Variant Classification Criteria 13 December 2019. Collection method: clinical testing. Allele origin: germline.
Comment: This variant was observed in the ICSL laboratory as part of a predisposition screen in an ostensibly healthy population. It had not been previously curated by ICSL or reported in the Human Gene Mutation Database (HGMD: prior to June 1st, 2018), and was therefore a candidate for classification through an automated scoring system. Utilizing variant allele frequency, disease prevalence and penetrance estimates, and inheritance mode, an automated score was calculated to assess if this variant is too frequent to cause the disease. Based on the score and internal cut-off values, a variant classified as benign is not then subjected to further curation. The score for this variant resulted in a classification of benign for this disease.

Breakthrough Genomics
Classification: Benign. Review status: criteria provided, single submitter. Criteria: ACMG Guidelines, 2015. Collection method: not provided. Allele origin: germline. Inheritance: Autosomal dominant inheritance. Affected: yes.

NM_031935.3(HMCN1):c.11849-8A>C

Gene: HMCN1 (hemicentin 1; plus strand). Cytogenetic location: 1q31.1.
Variant type: single nucleotide variant.
Coding change: c.11849-8A>C on transcript NM_031935.3 (MANE Select); 8 bases into the intron before coding-DNA position 11849, A replaced by C.
Molecular consequence: intron variant.
Genome position (GRCh38, 1-based): chr1:186,119,183, A>C. VCF-style: chr1-186119183-A-C. GRCh37 (hg19) VCF-style: chr1-186088315-A-C.
Identifiers: ClinVar variation 294234 (VCV000294234.14), dbSNP rs78780269, ClinGen allele CA1294179.